The following is an entry in ClinVar:

NM_182916.3(TRNT1):c.818C>G (p.Ala273Gly)

Gene: TRNT1 (tRNA nucleotidyl transferase 1; plus strand). Cytogenetic location: 3p26.2.
Variant type: single nucleotide variant.
Coding change: c.818C>G on transcript NM_182916.3 (MANE Select); coding-DNA position 818, C replaced by G.
Protein change: p.Ala273Gly; replaces alanine 273 with glycine.
Molecular consequence: missense variant. On other transcripts: non-coding transcript variant (8).
Genome position (GRCh38, 1-based): chr3:3,147,465, C>G. VCF-style: chr3-3147465-C-G. GRCh37 (hg19) VCF-style: chr3-3189149-C-G.
Other names: c.758C>G, p.Ala253Gly (NM_001302946.2); c.818C>G, p.Ala273Gly (NM_001367321.1, NM_001367322.1, NM_001367323.1); short protein forms A253G, A273G.
Identifiers: ClinVar variation 948249 (VCV000948249.6), dbSNP rs1489444334, ClinGen allele CA351447374.

ClinVar aggregate classification (germline): Uncertain significance. Review status: criteria provided, multiple submitters, no conflicts (2 of 4 stars). 2 submissions from 2 submitters: Uncertain significance (2). Last evaluated 2025-09-15.

Conditions:
Inborn genetic diseases. Identifiers: MedGen C0950123, MeSH D030342.
Congenital sideroblastic anemia-B-cell immunodeficiency-periodic fever-developmental delay syndrome. Also called: Sideroblastic anemia with B-cell immunodeficiency, periodic fevers, and developmental delay. Identifiers: Orphanet 369861, MedGen C4015172, MONDO:0014487, OMIM 616084.

Allele frequency attached by ClinVar (database versions not stated): gnomAD exomes 0.00001.
gnomAD v4.1: 6 of 1,613,446 alleles (0.00037%); highest among the groups gnomAD compares: Admixed American, 0.005%; no homozygotes.

Submissions (2):

Labcorp Genetics (formerly Invitae), Labcorp
Classification: Uncertain significance for Congenital sideroblastic anemia-B-cell immunodeficiency-periodic fever-developmental delay syndrome. Last evaluated: 2025-09-15. Review status: criteria provided, single submitter. Criteria: Invitae Variant Classification Sherloc (09022015). Collection method: clinical testing. Allele origin: germline.
Comment: This sequence change replaces alanine, which is neutral and non-polar, with glycine, which is neutral and non-polar, at codon 273 of the TRNT1 protein (p.Ala273Gly). This variant is present in population databases (no rsID available, gnomAD 0.006%). This variant has not been reported in the literature in individuals affected with TRNT1-related conditions. ClinVar contains an entry for this variant (Variation ID: 948249). Invitae Evidence Modeling of protein sequence and biophysical properties (such as structural, functional, and spatial information, amino acid conservation, physicochemical variation, residue mobility, and thermodynamic stability) indicates that this missense variant is not expected to disrupt TRNT1 protein function with a negative predictive value of 80%. In summary, the available evidence is currently insufficient to determine the role of this variant in disease. Therefore, it has been classified as a Variant of Uncertain Significance.

Ambry Genetics
Classification: Uncertain significance for Inborn genetic diseases. Last evaluated: 2025-09-05. Review status: criteria provided, single submitter. Criteria: Ambry Variant Classification Scheme 2023. Collection method: clinical testing. Allele origin: germline.